The following is an entry in ClinVar:

NM_014263.4(YME1L1):c.1383G>T (p.Trp461Cys)

Gene: YME1L1 (YME1 like 1 ATPase; minus strand). Cytogenetic location: 10p12.1.
Variant type: single nucleotide variant.
Coding change: c.1383G>T on transcript NM_014263.4 (MANE Select); coding-DNA position 1383, G replaced by T.
Protein change: p.Trp461Cys; replaces tryptophan 461 with cysteine.
Molecular consequence: missense variant.
Genome position (GRCh38, 1-based): chr10:27,120,463, C>A on the plus strand (G>T on the coding strand, the complement: YME1L1 is on the minus strand). VCF-style: chr10-27120463-C-A. GRCh37 (hg19) VCF-style: chr10-27409392-C-A.
Other names: c.1284G>T, p.Trp428Cys (NM_001253866.2); c.1554G>T, p.Trp518Cys (NM_139312.3); short protein forms W428C, W461C, W518C.
Identifiers: ClinVar variation 2471524 (VCV002471524.5), dbSNP rs1046376084, ClinGen allele CA204420090.

ClinVar aggregate classification (germline): Uncertain significance. Review status: criteria provided, multiple submitters, no conflicts (2 of 4 stars). 2 submissions from 2 submitters: Uncertain significance (2). Last evaluated 2023-06-16.

Allele frequency attached by ClinVar (database versions not stated): gnomAD 0.00002; TOPMed 0.00002.

Submissions (2):

Labcorp Genetics (formerly Invitae), Labcorp
Classification: Uncertain significance. Last evaluated: 2023-06-16. Review status: criteria provided, single submitter. Criteria: Invitae Variant Classification Sherloc (09022015). Collection method: clinical testing. Allele origin: germline.
Comment: In summary, the available evidence is currently insufficient to determine the role of this variant in disease. Therefore, it has been classified as a Variant of Uncertain Significance. An algorithm developed to predict the effect of missense changes on protein structure and function (PolyPhen-2) suggests that this variant is likely to be disruptive. ClinVar contains an entry for this variant (Variation ID: 2471524). This variant has not been reported in the literature in individuals affected with YME1L1-related conditions. This variant is present in population databases (no rsID available, gnomAD 0.008%). This sequence change replaces tryptophan, which is neutral and slightly polar, with cysteine, which is neutral and slightly polar, at codon 518 of the YME1L1 protein (p.Trp518Cys).

Ambry Genetics
Classification: Uncertain significance. Last evaluated: 2023-03-14. Review status: criteria provided, single submitter. Criteria: Ambry Variant Classification Scheme 2023. Collection method: clinical testing. Allele origin: germline.